The following is an entry in ClinVar:

ClinVar aggregate classification (germline): Uncertain significance. Review status: criteria provided, multiple submitters, no conflicts (2 of 4 stars). 3 submissions from 3 submitters: Uncertain significance (3). Last evaluated 2025-10-01.

Conditions:
Hereditary cancer-predisposing syndrome. Also called: Neoplastic Syndromes, Hereditary; Tumor predisposition; Hereditary neoplastic syndrome; Hereditary Cancer Syndrome. Identifiers: Orphanet 140162, MedGen C0027672, MeSH D009386, MONDO:0015356.
Classic or attenuated familial adenomatous polyposis. Identifiers: MedGen CN372698, MONDO:0021057.
Familial adenomatous polyposis 1 (FAP1). Also called: POLYPOSIS, ADENOMATOUS INTESTINAL; FAMILIAL ADENOMATOUS POLYPOSIS 1, ATTENUATED. Identifiers: MedGen C2713442, MONDO:0021056, OMIM 175100. Disease mechanism: loss of function.

Allele frequency attached by ClinVar (database versions not stated): gnomAD exomes below 0.00001.
gnomAD v4.1: 1 of 1,613,810 alleles (0.000062%); highest among the groups gnomAD compares: Non-Finnish European, 0.000085%; no homozygotes.

Submissions (3):

Labcorp Genetics (formerly Invitae), Labcorp
Classification: Uncertain significance for Familial adenomatous polyposis 1. Last evaluated: 2025-10-01. Review status: criteria provided, single submitter. Criteria: Invitae Variant Classification Sherloc (09022015). Collection method: clinical testing. Allele origin: germline.
Comment: This sequence change replaces serine, which is neutral and polar, with arginine, which is basic and polar, at codon 2239 of the APC protein (p.Ser2239Arg). This variant is not present in population databases (gnomAD no frequency). This variant has not been reported in the literature in individuals affected with APC-related conditions. ClinVar contains an entry for this variant (Variation ID: 826572). Invitae Evidence Modeling of protein sequence and biophysical properties (such as structural, functional, and spatial information, amino acid conservation, physicochemical variation, residue mobility, and thermodynamic stability) indicates that this missense variant is not expected to disrupt APC protein function with a negative predictive value of 95%. In summary, the available evidence is currently insufficient to determine the role of this variant in disease. Therefore, it has been classified as a Variant of Uncertain Significance.

All of Us Research Program, National Institutes of Health
Classification: Uncertain significance for Classic or attenuated familial adenomatous polyposis. Last evaluated: 2023-10-06. Review status: criteria provided, single submitter. Criteria: ACMG Guidelines, 2015. Collection method: clinical testing. Allele origin: germline. Inheritance: Autosomal dominant inheritance. Observed: 1 variant allele, 1 heterozygote.
Comment: This missense variant replaces serine with arginine at codon 2239 of the APC protein. Computational prediction suggests that this variant may not impact protein structure and function (internally defined REVEL score threshold <= 0.5, PMID: 27666373). To our knowledge, functional studies have not been reported for this variant. This variant has not been reported in individuals affected with APC-related disorders in the literature. This variant has not been identified in the general population by the Genome Aggregation Database (gnomAD). The available evidence is insufficient to determine the role of this variant in disease conclusively. Therefore, this variant is classified as a Variant of Uncertain Significance.

This study involves interpretation of variants in research participants for the purpose of population health screening. Participant phenotype was not available at the time of variant classification. Additional details can be found in publication PMID: 35346344, PMCID: PMC8962531

Ambry Genetics
Classification: Uncertain significance for Hereditary cancer-predisposing syndrome. Last evaluated: 2023-06-23. Review status: criteria provided, single submitter. Criteria: Ambry Variant Classification Scheme 2023. Collection method: clinical testing. Allele origin: germline.
Comment: The p.S2239R variant (also known as c.6717C>G), located in coding exon 15 of the APC gene, results from a C to G substitution at nucleotide position 6717. The serine at codon 2239 is replaced by arginine, an amino acid with dissimilar properties. This amino acid position is well conserved in available vertebrate species. In addition, in silico predictors for this gene do not accurately predict pathogenicity. Since supporting evidence is limited at this time, the clinical significance of this alteration remains unclear.

NM_000038.6(APC):c.6717C>G (p.Ser2239Arg)

Gene: APC (APC regulator of Wnt signaling pathway; plus strand). Cytogenetic location: 5q22.2.
Variant type: single nucleotide variant.
Coding change: c.6717C>G on transcript NM_000038.6 (MANE Select); coding-DNA position 6717, C replaced by G.
Protein change: p.Ser2239Arg; replaces serine 2239 with arginine.
Molecular consequence: missense variant.
Genome position (GRCh38, 1-based): chr5:112,842,311, C>G. VCF-style: chr5-112842311-C-G. GRCh37 (hg19) VCF-style: chr5-112178008-C-G.
Other names: c.6717C>G, p.Ser2239Arg (NM_001127510.3, NM_001354895.2); c.6663C>G, p.Ser2221Arg (NM_001127511.3); c.6771C>G, p.Ser2257Arg (NM_001354896.2); c.6747C>G, p.Ser2249Arg (NM_001354897.2); c.6642C>G, p.Ser2214Arg (NM_001354898.2); c.6633C>G, p.Ser2211Arg (NM_001354899.2); c.6594C>G, p.Ser2198Arg (NM_001354900.2); c.6540C>G, p.Ser2180Arg (NM_001354901.2); and 5 more; short protein forms S1956R, S2079R, S2180R, S2249R, S2239R, S2138R, S2198R, S2221R.
Identifiers: ClinVar variation 826572 (VCV000826572.16), dbSNP rs1580673845, ClinGen allele CA16036013.